The following is an entry in ClinVar:

NM_003924.4(PHOX2B):c.760G>T (p.Ala254Ser)

Genes: PHOX2B (paired like homeobox 2B; minus strand), LOC110011216 (paired like homeobox 2b polyalanine repeat instability region; plus strand). Cytogenetic location: 4p13.
Variant type: single nucleotide variant.
Coding change: c.760G>T on transcript NM_003924.4 (MANE Select); coding-DNA position 760, G replaced by T.
Protein change: p.Ala254Ser; replaces alanine 254 with serine.
Molecular consequence: missense variant.
Genome position (GRCh38, 1-based): chr4:41,745,992, C>A on the plus strand (G>T on the coding strand, the complement: PHOX2B is on the minus strand). VCF-style: chr4-41745992-C-A. GRCh37 (hg19) VCF-style: chr4-41748009-C-A.
Other names: short protein forms A254S.
Identifiers: ClinVar variation 3931844 (VCV003931844.1).

ClinVar aggregate classification (germline): Uncertain significance (1 of 4 stars; one submission).

Conditions:
Hereditary cancer-predisposing syndrome. Also called: Tumor predisposition; Hereditary neoplastic syndrome; Hereditary Cancer Syndrome; Neoplastic Syndromes, Hereditary. Identifiers: Orphanet 140162, MedGen C0027672, MeSH D009386, MONDO:0015356.

Submission:

Ambry Genetics
Classification: Uncertain significance for Hereditary cancer-predisposing syndrome. Last evaluated: 2025-04-12. Review status: criteria provided, single submitter. Criteria: Ambry Variant Classification Scheme 2023. Collection method: clinical testing. Allele origin: germline.
Comment: The p.A254S variant (also known as c.760G>T), located in coding exon 3 of the PHOX2B gene, results from a G to T substitution at nucleotide position 760. The alanine at codon 254 is replaced by serine, an amino acid with similar properties. This amino acid position is conserved. In addition, this alteration is predicted to be tolerated by in silico analysis. Based on the available evidence, the clinical significance of this variant remains unclear.